The following is an entry in ClinVar:

NM_006227.4(PLTP):c.987C>T (p.Val329=)

Gene: PLTP (phospholipid transfer protein; minus strand). Cytogenetic location: 20q13.12.
Variant type: single nucleotide variant.
Coding change: c.987C>T on transcript NM_006227.4 (MANE Select); coding-DNA position 987, C replaced by T.
Protein change: p.Val329=; no amino-acid change (valine 329 retained).
Molecular consequence: synonymous variant.
Genome position (GRCh38, 1-based): chr20:45,902,560, G>A on the plus strand (C>T on the coding strand, the complement: PLTP is on the minus strand). VCF-style: chr20-45902560-G-A. GRCh37 (hg19) VCF-style: chr20-44531199-G-A.
Other names: c.702C>T, p.Val234= (NM_001242920.2); c.723C>T, p.Val241= (NM_001242921.1); c.831C>T, p.Val277= (NM_182676.3).
Identifiers: ClinVar variation 3045982 (VCV003045982.2), dbSNP rs752967608, ClinGen allele CA9883647.

ClinVar aggregate classification (germline): Likely benign (0 of 4 stars; one submission).

Conditions:
PLTP-related disorder. Also called: PLTP-related condition.

Allele frequency attached by ClinVar (database versions not stated): TOPMed 0.00002; gnomAD 0.00003; ExAC 0.00004; gnomAD exomes 0.00004.
gnomAD v4.1: 31 of 1,613,764 alleles (0.0019%); highest among the groups gnomAD compares: Admixed American, 0.025%; no homozygotes.

Submission:

PreventionGenetics, part of Exact Sciences
Classification: Likely benign for PLTP-related condition. Last evaluated: 2019-11-12. Review status: no assertion criteria provided. Collection method: clinical testing. Allele origin: germline.
Comment: This variant is classified as likely benign based on ACMG/AMP sequence variant interpretation guidelines (Richards et al. 2015 PMID: 25741868, with internal and published modifications).